The following is an entry in ClinVar:

NM_000037.4(ANK1):c.2913G>C (p.Leu971=)

Gene: ANK1 (ankyrin 1; minus strand). Cytogenetic location: 8p11.21.
Variant type: single nucleotide variant.
Coding change: c.2913G>C on transcript NM_000037.4 (MANE Select); coding-DNA position 2913, G replaced by C.
Protein change: p.Leu971=; no amino-acid change (leucine 971 retained).
Molecular consequence: synonymous variant.
Genome position (GRCh38, 1-based): chr8:41,696,410, C>G on the plus strand (G>C on the coding strand, the complement: ANK1 is on the minus strand). VCF-style: chr8-41696410-C-G. GRCh37 (hg19) VCF-style: chr8-41553928-C-G.
Other names: p.Leu971=; c.3036G>C, p.Leu1012= (NM_001142446.2); c.2913G>C, p.Leu971= (NM_020475.3, NM_020476.3, NM_020477.3).
Identifiers: ClinVar variation 261301 (VCV000261301.33), dbSNP rs504574, ClinGen allele CA4728045.
Genomic context (GRCh38, chr8:41,696,410, plus strand): 5'-CGCGCAAGCTCACCTCAGGAACTGTGCCCCCGTGGGCCCCAGTGCTATGATCCTGCTGGC[C>G]AGGCCCTCCTCCTCGGCCAGTGGGGGCGGCGTGCTGAGCTTCTGGGGCTTGACCAGGCGG-3'
Protein context (NP_000028.3, residues 961-981): TPPPLAEEEG[Leu971=]ASRIIALGPT

ClinVar aggregate classification (germline): Benign/Likely benign. Review status: criteria provided, multiple submitters, no conflicts (2 of 4 stars). 11 submissions from 10 submitters: Benign (9); Likely benign (1). 1 of the submissions does not count toward it. Last evaluated 2026-02-03.

Conditions:
Spherocytosis. Identifiers: MedGen C0553720, HP:0004444.
Hereditary spherocytosis type 1. Also called: Spherocytosis type 1; ANK1-Related Spherocytosis. Identifiers: Orphanet 822, MedGen C2674218, MONDO:0008447, OMIM 182900.

Allele frequency attached by ClinVar (database versions not stated): ESP Exome Variant Server 0.36285; TOPMed 0.38071; 1000 Genomes Project 30x 0.39788; 1000 Genomes Project 0.40715.
gnomAD v4.1: 747,048 of 1,613,058 alleles (46%); highest among the groups gnomAD compares: Admixed American, 57%; 178,758 homozygotes.

Submissions (11):

Labcorp Genetics (formerly Invitae), Labcorp
Classification: Benign. Last evaluated: 2026-02-03. Review status: criteria provided, single submitter. Criteria: Invitae Variant Classification Sherloc (09022015). Collection method: clinical testing. Allele origin: germline.

ARUP Laboratories, Molecular Genetics and Genomics, ARUP Laboratories
Classification: Benign for Hereditary spherocytosis type 1. Last evaluated: 2025-07-31. Review status: criteria provided, single submitter. Criteria: ARUP Molecular Germline Variant Investigation Process 2024. Collection method: clinical testing. Allele origin: germline.

Blueprint Genetics
Classification: Likely benign. Last evaluated: 2024-11-27. Review status: criteria provided, single submitter. Criteria: ACMG Guidelines, 2015. Collection method: clinical testing. Allele origin: germline.

Genome-Nilou Lab
Classification: Benign for Hereditary spherocytosis type 1. Last evaluated: 2021-07-14. Review status: criteria provided, single submitter. Criteria: ACMG Guidelines, 2015. Collection method: clinical testing. Allele origin: germline. Affected: no.

Illumina Laboratory Services, Illumina
Classification: Benign for Hereditary spherocytosis type 1. Last evaluated: 2018-01-13. Review status: criteria provided, single submitter. Criteria: ICSL Variant Classification Criteria 13 December 2019. Collection method: clinical testing. Allele origin: germline.
Comment: This variant was observed in the ICSL laboratory as part of a predisposition screen in an ostensibly healthy population. It had not been previously curated by ICSL or reported in the Human Gene Mutation Database (HGMD: prior to June 1st, 2018), and was therefore a candidate for classification through an automated scoring system. Utilizing variant allele frequency, disease prevalence and penetrance estimates, and inheritance mode, an automated score was calculated to assess if this variant is too frequent to cause the disease. Based on the score and internal cut-off values, a variant classified as benign is not then subjected to further curation. The score for this variant resulted in a classification of benign for this disease.

Illumina Laboratory Services, Illumina
Classification: Benign for Spherocytosis. Last evaluated: 2018-01-13. Review status: criteria provided, single submitter. Criteria: ICSL Variant Classification Criteria 13 December 2019. Collection method: clinical testing. Allele origin: germline.
Comment: the same text as in the submission from Illumina Laboratory Services, Illumina above.

Mayo Clinic Laboratories, Mayo Clinic
Classification: Benign. Last evaluated: 2016-04-15. Review status: criteria provided, single submitter. Criteria: ACMG Guidelines, 2015. Collection method: clinical testing. Allele origin: germline. Observed: 1,498 variant alleles.

Genome Diagnostics Laboratory, University Medical Center Utrecht
Classification: Benign for Hereditary spherocytosis type 1. Last evaluated: 2014-10-10. Review status: criteria provided, single submitter. Criteria: ACGS Guidelines, 2013. Collection method: clinical testing. Allele origin: germline. Affected: yes. Study: VKGL Data-share Consensus.

Breakthrough Genomics
Classification: Benign. Review status: criteria provided, single submitter. Criteria: ACMG Guidelines, 2015. Collection method: not provided. Allele origin: germline. Inheritance: Autosomal dominant inheritance. Affected: yes.

PreventionGenetics, part of Exact Sciences
Classification: Benign. Review status: criteria provided, single submitter. Criteria: ACMG Guidelines, 2015. Collection method: clinical testing. Allele origin: germline.

Diagnostic Laboratory, Department of Genetics, University Medical Center Groningen
Classification: Benign for Hereditary spherocytosis type 1. Review status: no assertion criteria provided. Collection method: clinical testing. Allele origin: germline. Affected: yes. Study: VKGL Data-share Consensus. Not counted in ClinVar's aggregate classification.